The following is an entry in ClinVar:

ClinVar aggregate classification (germline): Benign/Likely benign. Review status: criteria provided, multiple submitters, no conflicts (2 of 4 stars). 2 submissions from 2 submitters: Benign (1); Likely benign (1). Last evaluated 2025-12-11.

Conditions:
Tuberous sclerosis 2 (TSC2). Identifiers: Orphanet 805, MedGen C1860707, MONDO:0013199, OMIM 613254.

Submissions (2):

Labcorp Genetics (formerly Invitae), Labcorp
Classification: Likely benign for Tuberous sclerosis 2. Last evaluated: 2025-12-11. Review status: criteria provided, single submitter. Criteria: Invitae Variant Classification Sherloc (09022015). Collection method: clinical testing. Allele origin: germline.

Myriad Genetics, Inc.
Classification: Benign for Tuberous sclerosis 2. Last evaluated: 2025-05-27. Review status: criteria provided, single submitter. Criteria: Myriad Autosomal Dominant, Autosomal Recessive and X-Linked Classification Criteria (2023). Collection method: clinical testing. Allele origin: unknown.
Comment: This variant is considered benign. This variant is a silent/synonymous amino acid change and it is not expected to impact splicing.

NM_000548.5(TSC2):c.2916C>G (p.Ala972=)

Gene: TSC2 (TSC complex subunit 2; plus strand). Cytogenetic location: 16p13.3.
Variant type: single nucleotide variant.
Coding change: c.2916C>G on transcript NM_000548.5 (MANE Select); coding-DNA position 2916, C replaced by G.
Protein change: p.Ala972=; no amino-acid change (alanine 972 retained).
Molecular consequence: synonymous variant. On other transcripts: intron variant (9).
Genome position (GRCh38, 1-based): chr16:2,077,676, C>G. VCF-style: chr16-2077676-C-G. GRCh37 (hg19) VCF-style: chr16-2127677-C-G.
Other names: c.2916C>G, p.Ala972= (NM_001114382.3); c.2837+1091C>G (NM_021055.3, NM_001370405.1, NM_001363528.2 and 2 more transcripts); c.2726+1091C>G (NM_001318827.2); c.2237+1091C>G (NM_001318831.2); c.2690+1091C>G (NM_001318829.2); c.2870+1091C>G (NM_001318832.2).
Identifiers: ClinVar variation 1613015 (VCV001613015.9), dbSNP rs751474097, ClinGen allele CA492954943.